The following is an entry in ClinVar:

ClinVar aggregate classification (germline): Uncertain significance (1 of 4 stars; one submission).

Conditions:
GNAS-related disorder. Identifiers: MedGen CN380105.

gnomAD v4.1: 4 of 1,547,776 alleles (0.00026%); highest among the groups gnomAD compares: African/African-American, 0.0014%; no homozygotes.

Submission:

PreventionGenetics, part of Exact Sciences
Classification: Uncertain significance for GNAS-related condition. Last evaluated: 2026-06-24. Review status: criteria provided, single submitter. Criteria: ACMG Guidelines, 2015. Collection method: clinical testing. Allele origin: germline.
Comment: The GNAS c.16T>A variant is predicted to result in the amino acid substitution p.Cys6Ser. To our knowledge, this variant has not been reported in the literature. This variant is reported in 0.011% of alleles in individuals of African descent in gnomAD. At this time, the clinical significance of this variant is uncertain due to the absence of conclusive functional and genetic evidence.

NM_080425.4(GNAS):c.16T>A (p.Cys6Ser)

Gene: GNAS (GNAS complex locus; plus strand). Cytogenetic location: 20q13.32.
Variant type: single nucleotide variant.
Coding change: c.16T>A on transcript NM_080425.4 (MANE Plus Clinical); coding-DNA position 16, T replaced by A.
Protein change: p.Cys6Ser; replaces cysteine 6 with serine.
Molecular consequence: missense variant. On other transcripts: 5 prime UTR variant (2), intron variant (3).
Genome position (GRCh38, 1-based): chr20:58,853,281, T>A. VCF-style: chr20-58853281-T-A. GRCh37 (hg19) VCF-style: chr20-57428336-T-A.
Other names: c.-172T>A (NM_001077490.3, NM_001309883.1); c.16T>A, p.Cys6Ser (NM_001410913.1); c.*42+12395T>A (NM_016592.5); c.43+12395T>A (NM_001410912.1); c.-39+11406T>A (NM_001309861.2); short protein forms C6S.
Identifiers: ClinVar variation 4993914 (VCV004993914.1).
Genomic context (GRCh38, chr20:58,853,281, plus strand): 5'-ATCTTACGGAGCCCCAAACTTATTTTGAGAGGCCGCCACCGTGTTATGGGCGTGCGCAAC[T>A]GCCTCTACGGCAATAATATGTCAGGACAACGCGATATCCCCCCTGAAATCGGGGAACAGC-3'
Protein context (NP_536350.2, residues 1-16): MGVRN[Cys6Ser]LYGNNMSGQR